The following is an entry in ClinVar:

ClinVar aggregate classification (germline): Likely benign (1 of 4 stars; one submission).

gnomAD v4.1: 40 of 1,532,850 alleles (0.0026%); highest among the groups gnomAD compares: Non-Finnish European, 0.003%; no homozygotes.

Submission:

CeGaT Center for Human Genetics Tuebingen
Classification: Likely benign. Last evaluated: 2026-06-01. Review status: criteria provided, single submitter. Criteria: CeGaT Center For Human Genetics Tuebingen Variant Classification Criteria Version 2. Collection method: clinical testing. Allele origin: germline. Affected: yes. Observed: 1 variant allele.
Comment: KMT2B: BP4, BP7

NM_014727.3(KMT2B):c.3066G>A (p.Thr1022=)

Gene: KMT2B (lysine methyltransferase 2B; plus strand). Cytogenetic location: 19q13.12.
Variant type: single nucleotide variant.
Coding change: c.3066G>A on transcript NM_014727.3 (MANE Select); coding-DNA position 3066, G replaced by A.
Protein change: p.Thr1022=; no amino-acid change (threonine 1022 retained).
Molecular consequence: synonymous variant.
Genome position (GRCh38, 1-based): chr19:35,723,739, G>A. VCF-style: chr19-35723739-G-A. GRCh37 (hg19) VCF-style: chr19-36214640-G-A.
Identifiers: ClinVar variation 4874029 (VCV004874029.2).